The following is an entry in ClinVar:

ClinVar aggregate classification (germline): Uncertain significance (1 of 4 stars; one submission).

Submission:

Labcorp Genetics (formerly Invitae), Labcorp
Classification: Uncertain significance. Last evaluated: 2022-09-30. Review status: criteria provided, single submitter. Criteria: Invitae Variant Classification Sherloc (09022015). Collection method: clinical testing. Allele origin: germline.
Comment: In summary, the available evidence is currently insufficient to determine the role of this variant in disease. Therefore, it has been classified as a Variant of Uncertain Significance. Algorithms developed to predict the effect of missense changes on protein structure and function are either unavailable or do not agree on the potential impact of this missense change (SIFT: "Tolerated"; PolyPhen-2: "Possibly Damaging"; Align-GVGD: "Class C0"). This variant has not been reported in the literature in individuals affected with SPP2-related conditions. This variant is not present in population databases (gnomAD no frequency). This sequence change replaces serine, which is neutral and polar, with threonine, which is neutral and polar, at codon 157 of the SPP2 protein (p.Ser157Thr).

NM_006944.3(SPP2):c.469T>A (p.Ser157Thr)

Gene: SPP2 (secreted phosphoprotein 2; plus strand). Cytogenetic location: 2q37.1.
Variant type: single nucleotide variant.
Coding change: c.469T>A on transcript NM_006944.3 (MANE Select); coding-DNA position 469, T replaced by A.
Protein change: p.Ser157Thr; replaces serine 157 with threonine.
Molecular consequence: missense variant.
Genome position (GRCh38, 1-based): chr2:234,066,557, T>A. VCF-style: chr2-234066557-T-A. GRCh37 (hg19) VCF-style: chr2-234975201-T-A.
Other names: short protein forms S157T.
Identifiers: ClinVar variation 1955707 (VCV001955707.5), dbSNP rs1693825912, ClinGen allele CA351104782.